The following is an entry in ClinVar:

ClinVar aggregate classification (germline): Likely benign. Review status: criteria provided, multiple submitters, no conflicts (2 of 4 stars). 3 submissions from 3 submitters: Likely benign (2). 1 of the submissions does not count toward it. Last evaluated 2025-05-12.

Conditions:
ACTB-related disorder. Also called: ACTB-related disorders; ACTB-related condition.
Baraitser-Winter syndrome 1 (BRWS1). Also called: BARAITSER-WINTER SYNDROME 1, ATYPICAL; PACHYGYRIA, MENTAL RETARDATION, EPILEPSY, AND CHARACTERISTIC FACIES; MENTAL RETARDATION WITH EPILEPSY AND CHARACTERISTIC FACIES; Cerebrofrontofacial syndrome. Identifiers: Orphanet 2649, Orphanet 2995, MedGen C1855722, MONDO:0009470, OMIM 243310.

Allele frequency attached by ClinVar (database versions not stated): TOPMed 0.00001; ESP Exome Variant Server 0.00008.

Submissions (3):

Labcorp Genetics (formerly Invitae), Labcorp
Classification: Likely benign for Baraitser-Winter syndrome 1. Last evaluated: 2025-05-12. Review status: criteria provided, single submitter. Criteria: Invitae Variant Classification Sherloc (09022015). Collection method: clinical testing. Allele origin: germline.

Blueprint Genetics
Classification: Likely benign. Last evaluated: 2023-08-25. Review status: criteria provided, single submitter. Criteria: ACMG Guidelines, 2015. Collection method: clinical testing. Allele origin: germline.

PreventionGenetics, part of Exact Sciences
Classification: Likely benign for ACTB-related condition. Last evaluated: 2021-11-17. Review status: no assertion criteria provided. Collection method: clinical testing. Allele origin: germline. Not counted in ClinVar's aggregate classification.
Comment: This variant is classified as likely benign based on ACMG/AMP sequence variant interpretation guidelines (Richards et al. 2015 PMID: 25741868, with internal and published modifications).

NM_001101.5(ACTB):c.803-9C>T

Gene: ACTB (actin beta; minus strand). Cytogenetic location: 7p22.1.
Variant type: single nucleotide variant.
Coding change: c.803-9C>T on transcript NM_001101.5 (MANE Select); 9 bases into the intron before coding-DNA position 803, C replaced by T.
Molecular consequence: intron variant.
Genome position (GRCh38, 1-based): chr7:5,528,194, G>A on the plus strand (C>T on the coding strand, the complement: ACTB is on the minus strand). VCF-style: chr7-5528194-G-A. GRCh37 (hg19) VCF-style: chr7-5567825-G-A.
Other names: c.803-9C>T (NM_001101.3).
Identifiers: ClinVar variation 1092993 (VCV001092993.12), dbSNP rs367990633, ClinGen allele CA4146915.